The following is an entry in ClinVar:

NM_016035.5(COQ4):c.59G>A (p.Arg20Gln)

Gene: COQ4 (coenzyme Q4; plus strand). Cytogenetic location: 9q34.11.
Variant type: single nucleotide variant.
Coding change: c.59G>A on transcript NM_016035.5 (MANE Select); coding-DNA position 59, G replaced by A.
Protein change: p.Arg20Gln; replaces arginine 20 with glutamine.
Molecular consequence: missense variant.
Genome position (GRCh38, 1-based): chr9:128,322,917, G>A. VCF-style: chr9-128322917-G-A. GRCh37 (hg19) VCF-style: chr9-131085196-G-A.
Other names: c.59G>A, p.Arg20Gln (NM_001305942.2); short protein forms R20Q.
Identifiers: ClinVar variation 380449 (VCV000380449.14), dbSNP rs9697215, ClinGen allele CA5260374.

ClinVar aggregate classification (germline): Benign. Review status: criteria provided, multiple submitters, no conflicts (2 of 4 stars). 4 submissions from 4 submitters: Benign (3). 1 of the submissions does not count toward it. Last evaluated 2026-02-04.

Conditions:
Neonatal encephalomyopathy-cardiomyopathy-respiratory distress syndrome. Also called: Coenzyme Q10 deficiency, primary, 7. Identifiers: Orphanet 457185, MedGen C5568562, MONDO:0014562, OMIM 616276.

Allele frequency attached by ClinVar (database versions not stated): gnomAD exomes 0.03179; ESP Exome Variant Server 0.04539; gnomAD 0.04933; ExAC 0.05061; 1000 Genomes Project 0.05172; TOPMed 0.05173; 1000 Genomes Project 30x 0.05512.
gnomAD v4.1: 41,646 of 1,599,588 alleles (2.6%); highest among the groups gnomAD compares: African/African-American, 12%; 1,089 homozygotes.

Submissions (4):

Labcorp Genetics (formerly Invitae), Labcorp
Classification: Benign for Neonatal encephalomyopathy-cardiomyopathy-respiratory distress syndrome. Last evaluated: 2026-02-04. Review status: criteria provided, single submitter. Criteria: Invitae Variant Classification Sherloc (09022015). Collection method: clinical testing. Allele origin: germline.

GeneDx
Classification: Benign. Last evaluated: 2016-02-17. Review status: criteria provided, single submitter. Criteria: GeneDx Variant Classification (06012015). Collection method: clinical testing. Allele origin: germline. Affected: yes.
Comment: This variant is considered likely benign or benign based on one or more of the following criteria: it is a conservative change, it occurs at a poorly conserved position in the protein, it is predicted to be benign by multiple in silico algorithms, and/or has population frequency not consistent with disease.

Breakthrough Genomics
Classification: Benign. Review status: criteria provided, single submitter. Criteria: ACMG Guidelines, 2015. Collection method: not provided. Allele origin: germline. Inheritance: Autosomal recessive inheritance. Affected: yes.

Mayo Clinic Laboratories, Mayo Clinic
Classification: Benign. Last evaluated: 2016-02-26. Review status: no assertion criteria provided. Collection method: clinical testing. Allele origin: unknown. Not counted in ClinVar's aggregate classification.